The following is an entry in ClinVar:

NM_000136.3(FANCC):c.1494T>C (p.Ala498=)

Genes: AOPEP (aminopeptidase O (putative); plus strand), FANCC (FA complementation group C; minus strand). Cytogenetic location: 9q22.32.
Variant type: single nucleotide variant.
Coding change: c.1494T>C on transcript NM_000136.3 (MANE Select); coding-DNA position 1494, T replaced by C.
Protein change: p.Ala498=; no amino-acid change (alanine 498 retained).
Molecular consequence: synonymous variant.
Genome position (GRCh38, 1-based): chr9:95,107,105, A>G on the plus strand (T>C on the coding strand, the complement: FANCC is on the minus strand). VCF-style: chr9-95107105-A-G. GRCh37 (hg19) VCF-style: chr9-97869387-A-G.
Other names: c.1494T>C, p.Ala498= (NM_001243743.2).
Identifiers: ClinVar variation 220345 (VCV000220345.55), dbSNP rs76895298, ClinGen allele CA349507.
Genomic context (GRCh38, chr9:95,107,105, plus strand): 5'-CTGGACCACAGGGAGACTTACCAGGGTGATGACATCCCAGGCGATCGTGTGGCCTCCAGG[A>G]GCCCAGAGCAGGAAGTTGAGGAGAAGGTGCCTGATCAGCTGTTGTGCAGGAGCTCTGAGG-3'
Protein context (NP_000127.2, residues 488-508): RHLLLNFLLW[Ala498=]PGGHTIAWDV

ClinVar aggregate classification (germline): Conflicting classifications of pathogenicity. Review status: criteria provided, conflicting classifications (1 of 4 stars). 11 submissions from 11 submitters: Uncertain significance (1); Benign (2); Likely benign (6). 2 of the submissions do not count toward it. Last evaluated 2026-01-06.

Conditions:
FANCC-related disorder. Also called: FANCC-related condition.
Hereditary cancer-predisposing syndrome. Also called: Neoplastic Syndromes, Hereditary; Hereditary Cancer Syndrome; Tumor predisposition; Hereditary neoplastic syndrome. Identifiers: Orphanet 140162, MedGen C0027672, MeSH D009386, MONDO:0015356.
Fanconi anemia (FA). Also called: Fanconi's anemia. Identifiers: Orphanet 84, MedGen C0015625, MeSH D005199, MONDO:0019391.
Fanconi anemia complementation group C (FANCC). Also called: FANCONI PANCYTOPENIA, TYPE 3; FACC; Fanconi anemia, group C; FANCC-Related Fanconi Anemia. Identifiers: Orphanet 84, MedGen C3468041, MONDO:0009213, OMIM 227645.

Allele frequency attached by ClinVar (database versions not stated): TOPMed 0.00004; gnomAD 0.00005 and 0.00013; gnomAD exomes 0.00017 and 0.00026; ExAC 0.00022; 1000 Genomes Project 30x 0.00125; 1000 Genomes Project 0.00160.
gnomAD v4.1: 395 of 1,614,214 alleles (0.024%); highest among the groups gnomAD compares: East Asian, 0.75%; 5 homozygotes.

Submissions (11):

Labcorp Genetics (formerly Invitae), Labcorp
Classification: Benign for Fanconi anemia. Last evaluated: 2026-01-06. Review status: criteria provided, single submitter. Criteria: Invitae Variant Classification Sherloc (09022015). Collection method: clinical testing. Allele origin: germline.

Blueprint Genetics
Classification: Likely benign. Last evaluated: 2024-05-20. Review status: criteria provided, single submitter. Criteria: ACMG Guidelines, 2015. Collection method: clinical testing. Allele origin: germline.

CeGaT Center for Human Genetics Tuebingen
Classification: Likely benign. Last evaluated: 2023-09-01. Review status: criteria provided, single submitter. Criteria: CeGaT Center For Human Genetics Tuebingen Variant Classification Criteria Version 2. Collection method: clinical testing. Allele origin: germline. Affected: yes. Observed: 1 variant allele.
Comment: FANCC: BP4, BP7, BS2

Sema4
Classification: Likely benign for Fanconi anemia. Last evaluated: 2021-07-09. Review status: criteria provided, single submitter. Criteria: Sema4 Curation Guidelines. Collection method: curation. Allele origin: germline.

Women's Health and Genetics/Laboratory Corporation of America, LabCorp
Classification: Likely benign. Last evaluated: 2020-09-11. Review status: criteria provided, single submitter. Criteria: LabCorp Variant Classification Summary - May 2015. Collection method: clinical testing. Allele origin: germline.

Department of Pathology and Laboratory Medicine, Sinai Health System
Classification: Likely benign for Fanconi anemia complementation group C. Last evaluated: 2019-10-01. Review status: criteria provided, single submitter. Criteria: ACMG Guidelines, 2015. Collection method: clinical testing. Allele origin: germline. Affected: yes.

Illumina Laboratory Services, Illumina
Classification: Uncertain significance for Fanconi anemia complementation group C. Last evaluated: 2018-01-13. Review status: criteria provided, single submitter. Criteria: ICSL Variant Classification Criteria 13 December 2019. Collection method: clinical testing. Allele origin: germline.

Ambry Genetics
Classification: Likely benign for Hereditary cancer-predisposing syndrome. Last evaluated: 2017-10-31. Review status: criteria provided, single submitter. Criteria: Ambry Variant Classification Scheme 2023. Collection method: clinical testing. Allele origin: germline.

GeneDx
Classification: Benign. Last evaluated: 2015-03-03. Review status: criteria provided, single submitter. Criteria: GeneDx Variant Classification Process June 2021. Collection method: clinical testing. Allele origin: germline. Affected: yes.

PreventionGenetics, part of Exact Sciences
Classification: Likely benign for FANCC-related condition. Last evaluated: 2022-08-01. Review status: no assertion criteria provided. Collection method: clinical testing. Allele origin: germline. Not counted in ClinVar's aggregate classification.
Comment: This variant is classified as likely benign based on ACMG/AMP sequence variant interpretation guidelines (Richards et al. 2015 PMID: 25741868, with internal and published modifications).

Natera, Inc.
Classification: Likely benign for Fanconi anemia. Last evaluated: 2017-05-10. Review status: no assertion criteria provided. Collection method: clinical testing. Allele origin: germline. Not counted in ClinVar's aggregate classification.